The following is an entry in ClinVar:

ClinVar aggregate classification (germline): Likely pathogenic (1 of 4 stars; one submission).

Conditions:
UNC45A-related disorder. Also called: UNC45A-related condition.

Submission:

PreventionGenetics, part of Exact Sciences
Classification: Likely pathogenic for UNC45A-related condition. Last evaluated: 2025-04-26. Review status: criteria provided, single submitter. Criteria: ACMG Guidelines, 2015. Collection method: clinical testing. Allele origin: germline.
Comment: The UNC45A c.975delG variant is predicted to result in a frameshift and premature protein termination (p.Lys326Serfs*19). To our knowledge, this variant has not been reported in the literature. This variant is present in 0.0087% of alleles in individuals of Latino descent in gnomAD. Frameshift variants in UNC45A are a moderately established mechanism of disease. This variant is interpreted as likely pathogenic.

NM_018671.5(UNC45A):c.975del (p.Lys326fs)

Gene: UNC45A (unc-45 myosin chaperone A; plus strand). Cytogenetic location: 15q26.1.
Variant type: Deletion.
Coding change: c.975del on transcript NM_018671.5 (MANE Select); coding-DNA position 975, one base deleted (G; older notation c.975delG).
Protein change: p.Lys326fs; shifts the reading frame from lysine 326.
Molecular consequence: frameshift variant.
Genome position (GRCh38, 1-based): chr15:90,943,030, G deleted; the last of 2 consecutive G bases (chr15:90,943,029-90,943,030); deleting either gives the same sequence. VCF-style (leftmost placement, unchanged base first): chr15-90943028-CG-C. GRCh37 (hg19) VCF-style: chr15-91486258-CG-C.
Other names: c.975delG (NM_001323619.1); c.930del, p.Lys311fs (NM_001039675.2, NM_001323621.2); c.975del, p.Lys326fs (NM_001323619.1); c.540del, p.Lys181fs (NM_001323620.2); short protein forms K311fs, K181fs, K326fs.
Identifiers: ClinVar variation 4990821 (VCV004990821.1).